The following is an entry in ClinVar:

ClinVar aggregate classification (germline): Pathogenic (3 of 4 stars; one submission).

Conditions:
Breast-ovarian cancer, familial, susceptibility to, 2 (BROVCA2). Also called: BRCA2 Hereditary Breast and Ovarian Cancer. Identifiers: Orphanet 145, MedGen C2675520, MONDO:0012933, OMIM 612555. Disease mechanism: loss of function.

Submission:

Evidence-based Network for the Interpretation of Germline Mutant Alleles (ENIGMA)
Classification: Pathogenic for Breast-ovarian cancer, familial, susceptibility to, 2. Last evaluated: 2016-10-18. Review status: reviewed by expert panel. Criteria: ENIGMA BRCA1/2 Classification Criteria (2015). Collection method: curation. Allele origin: germline.
Comment: Variant allele predicted to encode a truncated non-functional protein.

NM_000059.4(BRCA2):c.8572del (p.Gln2858fs)

Gene: BRCA2 (BRCA2 DNA repair associated; plus strand). Cytogenetic location: 13q13.1.
Variant type: Deletion.
Coding change: c.8572del on transcript NM_000059.4 (MANE Select); coding-DNA position 8572, one base deleted (C; older notation c.8572delC).
Protein change: p.Gln2858fs; shifts the reading frame from glutamine 2858.
Molecular consequence: frameshift variant.
Genome position (GRCh38, 1-based): chr13:32,371,040, C deleted; the last of 3 consecutive C bases (chr13:32,371,038-32,371,040); deleting any one gives the same sequence. VCF-style (leftmost placement, unchanged base first): chr13-32371037-GC-G. GRCh37 (hg19) VCF-style: chr13-32945174-GC-G.
Other names: 8800delC; short protein forms Q2858fs.
Identifiers: ClinVar variation 267099 (VCV000267099.5), dbSNP rs886040784, ClinGen allele CA10589509.